The following is an entry in ClinVar:

NM_138409.4(MRAP2):c.583C>G (p.Pro195Ala)

Gene: MRAP2 (melanocortin 2 receptor accessory protein 2; plus strand). Cytogenetic location: 6q14.2.
Variant type: single nucleotide variant.
Coding change: c.583C>G on transcript NM_138409.4 (MANE Select); coding-DNA position 583, C replaced by G.
Protein change: p.Pro195Ala; replaces proline 195 with alanine.
Molecular consequence: missense variant.
Genome position (GRCh38, 1-based): chr6:84,089,446, C>G. VCF-style: chr6-84089446-C-G. GRCh37 (hg19) VCF-style: chr6-84799165-C-G.
Other names: c.325C>G, p.Pro109Ala (NM_001346541.2); c.583C>G, p.Pro195Ala (NM_001346542.2, NM_001346544.2); c.418C>G, p.Pro140Ala (NM_001346543.2); short protein forms P195A, P109A, P140A.
Identifiers: ClinVar variation 4977307 (VCV004977307.1).

ClinVar aggregate classification (germline): Uncertain significance (1 of 4 stars; one submission).

Conditions:
MRAP2-related disorder. Also called: MRAP2-related condition.

gnomAD v4.1: 2 of 1,613,816 alleles (0.00012%); highest among the groups gnomAD compares: African/African-American, 0.0027%; no homozygotes.

Submission:

PreventionGenetics, part of Exact Sciences
Classification: Uncertain significance for MRAP2-related condition. Last evaluated: 2025-02-11. Review status: criteria provided, single submitter. Criteria: ACMG Guidelines, 2015. Collection method: clinical testing. Allele origin: germline.
Comment: The MRAP2 c.583C>G variant is predicted to result in the amino acid substitution p.Pro195Ala. To our knowledge, this variant has not been reported in the literature or in a large population database (gnomAD), indicating this variant is rare. At this time, the clinical significance of this variant is uncertain due to the absence of conclusive functional and genetic evidence.